The following is an entry in ClinVar:

ClinVar aggregate classification (germline): Uncertain significance. Review status: criteria provided, multiple submitters, no conflicts (2 of 4 stars). 3 submissions from 3 submitters: Uncertain significance (2). 1 of the submissions does not count toward it. Last evaluated 2024-04-25.

Conditions:
Cardiovascular phenotype. Identifiers: MedGen CN230736.
Alstrom syndrome (ALMS). Identifiers: Orphanet 64, MedGen C0268425, MONDO:0008763, OMIM 203800.

Allele frequency attached by ClinVar (database versions not stated): TOPMed 0.00002.
gnomAD v4.1: 67 of 1,612,784 alleles (0.0042%); highest among the groups gnomAD compares: Non-Finnish European, 0.0056%; no homozygotes.

Submissions (3):

Labcorp Genetics (formerly Invitae), Labcorp
Classification: Uncertain significance for Alstrom syndrome. Last evaluated: 2024-04-25. Review status: criteria provided, single submitter. Criteria: Invitae Variant Classification Sherloc (09022015). Collection method: clinical testing. Allele origin: germline.
Comment: This sequence change replaces proline, which is neutral and non-polar, with leucine, which is neutral and non-polar, at codon 1272 of the ALMS1 protein (p.Pro1272Leu). This variant is present in population databases (rs372563916, gnomAD 0.01%). This variant has not been reported in the literature in individuals affected with ALMS1-related conditions. ClinVar contains an entry for this variant (Variation ID: 971843). Experimental studies and prediction algorithms are not available or were not evaluated, and the functional significance of this variant is currently unknown. In summary, the available evidence is currently insufficient to determine the role of this variant in disease. Therefore, it has been classified as a Variant of Uncertain Significance.

Ambry Genetics
Classification: Uncertain significance for Cardiovascular phenotype. Last evaluated: 2022-09-12. Review status: criteria provided, single submitter. Criteria: Ambry Variant Classification Scheme 2023. Collection method: clinical testing. Allele origin: germline.
Comment: The p.P1272L variant (also known as c.3815C>T), located in coding exon 8 of the ALMS1 gene, results from a C to T substitution at nucleotide position 3815. The proline at codon 1272 is replaced by leucine, an amino acid with similar properties. This amino acid position is poorly conserved in available vertebrate species. In addition, this alteration is predicted to be tolerated by in silico analysis. Since supporting evidence is limited at this time, the clinical significance of this alteration remains unclear.

Natera, Inc.
Classification: Uncertain significance for Alstrom syndrome. Last evaluated: 2021-08-03. Review status: no assertion criteria provided. Collection method: clinical testing. Allele origin: germline. Not counted in ClinVar's aggregate classification.

NM_001378454.1(ALMS1):c.3812C>T (p.Pro1271Leu)

Gene: ALMS1 (ALMS1 centrosome and basal body associated protein; plus strand). Cytogenetic location: 2p13.1.
Variant type: single nucleotide variant.
Coding change: c.3812C>T on transcript NM_001378454.1 (MANE Select); coding-DNA position 3812, C replaced by T.
Protein change: p.Pro1271Leu; replaces proline 1271 with leucine.
Molecular consequence: missense variant.
Genome position (GRCh38, 1-based): chr2:73,450,339, C>T. VCF-style: chr2-73450339-C-T. GRCh37 (hg19) VCF-style: chr2-73677466-C-T.
Other names: c.3815C>T, p.Pro1272Leu (NM_015120.4); short protein forms P1271L, P1272L.
Identifiers: ClinVar variation 971843 (VCV000971843.13), dbSNP rs372563916, ClinGen allele CA50392865.
Genomic context (GRCh38, chr2:73,450,339, plus strand): 5'-AGGTCTTGCCAGATAATCATCCAACTGAAGAGGCTCTGAAAATTTCAGTTGCCTCTGAAC[C>T]AGTTGACCAGACAACTGGCACACCAGCTGTAACCTCTACTTCCTACTCACAATATAGAGA-3'
Protein context (NP_001365383.1, residues 1261-1281): EALKISVASE[Pro1271Leu]VDQTTGTPAV